The following is an entry in ClinVar:

ClinVar aggregate classification (germline): Uncertain significance (1 of 4 stars; one submission).

Conditions:
Emery-Dreifuss muscular dystrophy 4, autosomal dominant (EDMD4). Also called: EMERY-DREIFUSS MUSCULAR DYSTROPHY 4 WITH VARIABLE FEATURES. Identifiers: Orphanet 261, MedGen C2751807, MONDO:0013071, OMIM 612998.
Autosomal recessive ataxia, Beauce type. Also called: SYNE1-Related Autosomal Recessive Cerebellar Ataxia; SYNE1 Deficiency; Spinocerebellar ataxia, autosomal recessive 8; ATAXIA, RECESSIVE, OF BEAUCE. Identifiers: Orphanet 88644, MedGen C1853116, MONDO:0012549, OMIM 610743.

Allele frequency attached by ClinVar (database versions not stated): gnomAD exomes below 0.00001; gnomAD 0.00001.
gnomAD v4.1: 6 of 1,614,072 alleles (0.00037%); highest among the groups gnomAD compares: Admixed American, 0.0033%; no homozygotes.

Submission:

Labcorp Genetics (formerly Invitae), Labcorp
Classification: Uncertain significance for Emery-Dreifuss muscular dystrophy 4, autosomal dominant; Autosomal recessive ataxia, Beauce type. Last evaluated: 2022-08-16. Review status: criteria provided, single submitter. Criteria: Invitae Variant Classification Sherloc (09022015). Collection method: clinical testing. Allele origin: germline.
Comment: This variant has not been reported in the literature in individuals affected with SYNE1-related conditions. This sequence change replaces aspartic acid, which is acidic and polar, with glycine, which is neutral and non-polar, at codon 4843 of the SYNE1 protein (p.Asp4843Gly). This variant is present in population databases (no rsID available, gnomAD 0.003%). Algorithms developed to predict the effect of missense changes on protein structure and function are either unavailable or do not agree on the potential impact of this missense change (SIFT: "Deleterious"; PolyPhen-2: "Possibly Damaging"; Align-GVGD: "Class C15"). In summary, the available evidence is currently insufficient to determine the role of this variant in disease. Therefore, it has been classified as a Variant of Uncertain Significance.

NM_182961.4(SYNE1):c.14741A>G (p.Asp4914Gly)

Gene: SYNE1 (spectrin repeat containing nuclear envelope protein 1; minus strand). Cytogenetic location: 6q25.2.
Variant type: single nucleotide variant.
Coding change: c.14741A>G on transcript NM_182961.4 (MANE Select); coding-DNA position 14741, A replaced by G.
Protein change: p.Asp4914Gly; replaces aspartic acid 4914 with glycine.
Molecular consequence: missense variant.
Genome position (GRCh38, 1-based): chr6:152,329,944, T>C on the plus strand (A>G on the coding strand, the complement: SYNE1 is on the minus strand). VCF-style: chr6-152329944-T-C. GRCh37 (hg19) VCF-style: chr6-152651079-T-C.
Other names: c.14528A>G, p.Asp4843Gly (NM_033071.5); short protein forms D4843G, D4914G.
Identifiers: ClinVar variation 1903182 (VCV001903182.5), dbSNP rs1245504326, ClinGen allele CA366096617.
Genomic context (GRCh38, chr6:152,329,944, plus strand): 5'-ACCTCTTCCTGATGAATTTGGATTTTTCTGATTTCCTCTTGGATGTCCTGCAGGTTGAGG[T>C]CTAGGTACACCGGCCCACTGAGCTCTGCCTTCACTCTCCTCAGCCAGTCCAGGGAGCGAC-3'
Protein context (NP_892006.3, residues 4904-4924): KAELSGPVYL[Asp4914Gly]LNLQDIQEEI